The following is an entry in ClinVar:

NM_052963.3(TOP1MT):c.840del (p.Phe280fs)

Gene: TOP1MT (DNA topoisomerase I mitochondrial; minus strand). Cytogenetic location: 8q24.3.
Variant type: Deletion.
Coding change: c.840del on transcript NM_052963.3 (MANE Select); coding-DNA position 840, one base deleted (T; older notation c.840delT).
Protein change: p.Phe280fs; shifts the reading frame from phenylalanine 280.
Molecular consequence: frameshift variant.
Genome position (GRCh38, 1-based): chr8:143,324,119, A deleted on the plus strand (T on the coding strand, the reverse complement: TOP1MT is on the minus strand); the first of 3 consecutive A bases (chr8:143,324,119-143,324,121); deleting any one gives the same sequence. VCF-style (leftmost placement, unchanged base first): chr8-143324118-CA-C. GRCh37 (hg19) VCF-style: chr8-144406288-CA-C.
Other names: c.546del, p.Phe182fs (NM_001258446.1, NM_001258447.1); short protein forms F182fs, F280fs.
Identifiers: ClinVar variation 3608762 (VCV003608762.2).

ClinVar aggregate classification (germline): Uncertain significance (1 of 4 stars; one submission).

Submission:

Labcorp Genetics (formerly Invitae), Labcorp
Classification: Uncertain significance. Last evaluated: 2024-12-02. Review status: criteria provided, single submitter. Criteria: Invitae Variant Classification Sherloc (09022015). Collection method: clinical testing. Allele origin: germline.
Comment: This sequence change creates a premature translational stop signal (p.Phe280Leufs*27) in the TOP1MT gene. It is expected to result in an absent or disrupted protein product. However, the current clinical and genetic evidence is not sufficient to establish whether loss-of-function variants in TOP1MT cause disease. This variant is present in population databases (no rsID available, gnomAD 0.009%). This variant has not been reported in the literature in individuals affected with TOP1MT-related conditions. In summary, the available evidence is currently insufficient to determine the role of this variant in disease. Therefore, it has been classified as a Variant of Uncertain Significance.